The following is an entry in ClinVar:

ClinVar aggregate classification (germline): Uncertain significance (1 of 4 stars; one submission).

Conditions:
Cardiovascular phenotype. Identifiers: MedGen CN230736.

Allele frequency attached by ClinVar (database versions not stated): gnomAD exomes below 0.00001; gnomAD 0.00001; TOPMed 0.00001.

Submission:

Ambry Genetics
Classification: Uncertain significance for Cardiovascular phenotype. Last evaluated: 2024-02-17. Review status: criteria provided, single submitter. Criteria: Ambry Variant Classification Scheme 2023. Collection method: clinical testing. Allele origin: germline.
Comment: The p.Q303R variant (also known as c.908A>G), located in coding exon 5 of the EPHB4 gene, results from an A to G substitution at nucleotide position 908. The glutamine at codon 303 is replaced by arginine, an amino acid with highly similar properties. This amino acid position is conserved. In addition, the in silico prediction for this alteration is inconclusive. Based on the available evidence, the clinical significance of this alteration remains unclear.

NM_004444.5(EPHB4):c.908A>G (p.Gln303Arg)

Gene: EPHB4 (EPH receptor B4; minus strand). Cytogenetic location: 7q22.1.
Variant type: single nucleotide variant.
Coding change: c.908A>G on transcript NM_004444.5 (MANE Select); coding-DNA position 908, A replaced by G.
Protein change: p.Gln303Arg; replaces glutamine 303 with arginine.
Molecular consequence: missense variant.
Genome position (GRCh38, 1-based): chr7:100,820,197, T>C on the plus strand (A>G on the coding strand, the complement: EPHB4 is on the minus strand). VCF-style: chr7-100820197-T-C. GRCh37 (hg19) VCF-style: chr7-100417819-T-C.
Other names: short protein forms Q303R.
Identifiers: ClinVar variation 3224295 (VCV003224295.1), dbSNP rs61735974, ClinGen allele CA163285516.
Genomic context (GRCh38, chr7:100,820,197, plus strand): 5'-TTACTGGTGCAGGGTGCACCCCGGGGGTCTGTGCGTGCCCGGAAGTACCCGACGCGGCAC[T>C]GGCAGACGGCTGATCCAATGGTGTTAGAGTGGCTATTGGCTGGGCATGGCTGGCAGGACC-3'
Protein context (NP_004435.3, residues 293-313): HSNTIGSAVC[Gln303Arg]CRVGYFRART